The following is an entry in ClinVar:

NM_015935.5(METTL13):c.1843C>G (p.Leu615Val)

Gene: METTL13 (methyltransferase 13, eEF1A N-terminus and K55; plus strand). Cytogenetic location: 1q24.3.
Variant type: single nucleotide variant.
Coding change: c.1843C>G on transcript NM_015935.5 (MANE Select); coding-DNA position 1843, C replaced by G.
Protein change: p.Leu615Val; replaces leucine 615 with valine.
Molecular consequence: missense variant.
Genome position (GRCh38, 1-based): chr1:171,796,499, C>G. VCF-style: chr1-171796499-C-G. GRCh37 (hg19) VCF-style: chr1-171765639-C-G.
Other names: c.1375C>G, p.Leu459Val (NM_001007239.2); c.1585C>G, p.Leu529Val (NM_014955.3); short protein forms L615V, L459V, L529V.
Identifiers: ClinVar variation 4551082 (VCV004551082.1).

ClinVar aggregate classification (germline): Uncertain significance (1 of 4 stars; one submission).

Submission:

Ambry Genetics
Classification: Uncertain significance. Last evaluated: 2025-12-10. Review status: criteria provided, single submitter. Criteria: Ambry Variant Classification Scheme 2023. Collection method: clinical testing. Allele origin: germline.
Comment: The c.1843C>G (p.L615V) alteration is located in exon 8 (coding exon 8) of the METTL13 gene. This alteration results from a C to G substitution at nucleotide position 1843, causing the leucine (L) at amino acid position 615 to be replaced by a valine (V). Based on data from gnomAD, the G allele has an overall frequency of 0.002% (4/250496) total alleles studied. The highest observed frequency was 0.016% (1/6126) of Other alleles. Based on insufficient or conflicting evidence, the clinical significance of this alteration remains unclear.